The following is an entry in ClinVar:

NM_001364564.1(SALL2):c.1359C>T (p.Ser453=)

Gene: SALL2 (spalt like transcription factor 2; minus strand). Cytogenetic location: 14q11.2.
Variant type: single nucleotide variant.
Coding change: c.1359C>T on transcript NM_001364564.1 (MANE Select); coding-DNA position 1359, C replaced by T.
Protein change: p.Ser453=; no amino-acid change (serine 453 retained).
Molecular consequence: synonymous variant.
Genome position (GRCh38, 1-based): chr14:21,524,363, G>A on the plus strand (C>T on the coding strand, the complement: SALL2 is on the minus strand). VCF-style: chr14-21524363-G-A. GRCh37 (hg19) VCF-style: chr14-21992497-G-A.
Other names: c.960C>T, p.Ser320= (NM_001291446.2); c.954C>T, p.Ser318= (NM_001291447.2); c.1365C>T, p.Ser455= (NM_005407.3).
Identifiers: ClinVar variation 5039429 (VCV005039429.1).

ClinVar aggregate classification (germline): Likely benign (1 of 4 stars; one submission).

gnomAD v4.1: 151 of 1,614,042 alleles (0.0094%); highest among the groups gnomAD compares: Non-Finnish European, 0.011%; no homozygotes.

Submission:

CeGaT Center for Human Genetics Tuebingen
Classification: Likely benign. Last evaluated: 2026-07-01. Review status: criteria provided, single submitter. Criteria: CeGaT Center For Human Genetics Tuebingen Variant Classification Criteria Version 2. Collection method: clinical testing. Allele origin: germline. Affected: yes. Observed: 1 variant allele.
Comment: SALL2: BP4, BP7